The following is an entry in ClinVar:

NM_018089.3(ANKZF1):c.1586C>T (p.Ala529Val)

Gene: ANKZF1 (ankyrin repeat and zinc finger peptidyl tRNA hydrolase 1; plus strand). Cytogenetic location: 2q35.
Variant type: single nucleotide variant.
Coding change: c.1586C>T on transcript NM_018089.3 (MANE Select); coding-DNA position 1586, C replaced by T.
Protein change: p.Ala529Val; replaces alanine 529 with valine.
Molecular consequence: missense variant.
Genome position (GRCh38, 1-based): chr2:219,235,207, C>T. VCF-style: chr2-219235207-C-T. GRCh37 (hg19) VCF-style: chr2-220099929-C-T.
Other names: c.1586C>T, p.Ala529Val (NM_001042410.2); c.956C>T, p.Ala319Val (NM_001282792.2); short protein forms A319V, A529V.
Identifiers: ClinVar variation 4641153 (VCV004641153.2).

ClinVar aggregate classification (germline): Uncertain significance. Review status: criteria provided, multiple submitters, no conflicts (2 of 4 stars). 2 submissions from 2 submitters: Uncertain significance (2). Last evaluated 2025-10-17.

gnomAD v4.1: 2 of 1,613,968 alleles (0.00012%); highest among the groups gnomAD compares: Non-Finnish European, 0.000085%; no homozygotes.

Submissions (2):

Ambry Genetics
Classification: Uncertain significance. Last evaluated: 2025-10-17. Review status: criteria provided, single submitter. Criteria: Ambry Variant Classification Scheme 2023. Collection method: clinical testing. Allele origin: germline.

Labcorp Genetics (formerly Invitae), Labcorp
Classification: Uncertain significance. Last evaluated: 2025-04-11. Review status: criteria provided, single submitter. Criteria: Invitae Variant Classification Sherloc (09022015). Collection method: clinical testing. Allele origin: germline.
Comment: This sequence change replaces alanine, which is neutral and non-polar, with valine, which is neutral and non-polar, at codon 529 of the ANKZF1 protein (p.Ala529Val). This variant is not present in population databases (gnomAD no frequency). This variant has not been reported in the literature in individuals affected with ANKZF1-related conditions. An algorithm developed to predict the effect of missense changes on protein structure and function (PolyPhen-2) suggests that this variant is likely to be tolerated. In summary, the available evidence is currently insufficient to determine the role of this variant in disease. Therefore, it has been classified as a Variant of Uncertain Significance.